The following is an entry in ClinVar:

ClinVar aggregate classification (germline): Uncertain significance (1 of 4 stars; one submission).

Conditions:
Hereditary cancer-predisposing syndrome. Also called: Tumor predisposition; Hereditary neoplastic syndrome; Hereditary Cancer Syndrome; Neoplastic Syndromes, Hereditary. Identifiers: Orphanet 140162, MedGen C0027672, MeSH D009386, MONDO:0015356.

Submission:

Ambry Genetics
Classification: Uncertain significance for Hereditary cancer-predisposing syndrome. Last evaluated: 2026-04-06. Review status: criteria provided, single submitter. Criteria: Ambry Variant Classification Scheme 2023. Collection method: clinical testing. Allele origin: germline.
Comment: The p.W2845C variant (also known as c.8535G>T), located in coding exon 57 of the ATM gene, results from a G to T substitution at nucleotide position 8535. The tryptophan at codon 2845 is replaced by cysteine, an amino acid with highly dissimilar properties. In an assay testing ATM function, this variant showed a functionally abnormal result (Lee KS et al. Cell, 2025 Sep;188:5081-5099.e27). This amino acid position is highly conserved in available vertebrate species. In addition, this alteration is predicted to be deleterious by in silico analysis. Based on the available evidence, the clinical significance of this variant remains unclear.

Literature cited by the submitters: PubMed 40580951.

NM_000051.4(ATM):c.8535G>T (p.Trp2845Cys)

Genes: ATM (ATM serine/threonine kinase; plus strand), C11orf65 (chromosome 11 open reading frame 65; minus strand). Cytogenetic location: 11q22.3.
Variant type: single nucleotide variant.
Coding change: c.8535G>T on transcript NM_000051.4 (MANE Select); coding-DNA position 8535, G replaced by T.
Protein change: p.Trp2845Cys; replaces tryptophan 2845 with cysteine.
Molecular consequence: missense variant. On other transcripts: intron variant (2).
Genome position (GRCh38, 1-based): chr11:108,345,859, G>T. VCF-style: chr11-108345859-G-T. GRCh37 (hg19) VCF-style: chr11-108216586-G-T.
Other names: c.8535G>T, p.Trp2845Cys (NM_001351834.2); c.641-36788C>A (NM_001330368.2); c.695-10567C>A (NM_001351110.2); short protein forms W2845C.
Identifiers: ClinVar variation 4866054 (VCV004866054.1).